The following is an entry in ClinVar:

NM_001286577.2(C2CD3):c.3106C>G (p.Pro1036Ala)

Gene: C2CD3 (C2 domain containing 3 centriole elongation regulator; minus strand). Cytogenetic location: 11q13.4.
Variant type: single nucleotide variant.
Coding change: c.3106C>G on transcript NM_001286577.2 (MANE Select); coding-DNA position 3106, C replaced by G.
Protein change: p.Pro1036Ala; replaces proline 1036 with alanine.
Molecular consequence: missense variant.
Genome position (GRCh38, 1-based): chr11:74,095,282, G>C on the plus strand (C>G on the coding strand, the complement: C2CD3 is on the minus strand). VCF-style: chr11-74095282-G-C. GRCh37 (hg19) VCF-style: chr11-73806327-G-C.
Other names: c.3106C>G, p.Pro1036Ala (NM_015531.6); short protein forms P1036A.
Identifiers: ClinVar variation 1916367 (VCV001916367.3), dbSNP rs748898911, ClinGen allele CA6182488.
Genomic context (GRCh38, chr11:74,095,282, plus strand): 5'-ACCTACCATTTTCAAGGAACTCAGGTCCTTTCAGCACACTGGATTGAGAGTGTTGAACTG[G>C]AAAGTAGTACTGGACATAACAATCTGCTTCTCCCCAGACTGTTGCCTGAAGAGGGGCTAG-3'
Protein context (NP_001273506.1, residues 1026-1046): EADCYVQYYF[Pro1036Ala]VQHSQSSVLK

ClinVar aggregate classification (germline): Uncertain significance (1 of 4 stars; one submission).

Allele frequency attached by ClinVar (database versions not stated): gnomAD exomes below 0.00001; ExAC 0.00001.
gnomAD v4.1: 1 of 1,613,790 alleles (0.000062%); highest among the groups gnomAD compares: Admixed American, 0.0017%; no homozygotes.

Submission:

Labcorp Genetics (formerly Invitae), Labcorp
Classification: Uncertain significance. Last evaluated: 2025-03-17. Review status: criteria provided, single submitter. Criteria: Invitae Variant Classification Sherloc (09022015). Collection method: clinical testing. Allele origin: germline.
Comment: This sequence change replaces proline, which is neutral and non-polar, with alanine, which is neutral and non-polar, at codon 1036 of the C2CD3 protein (p.Pro1036Ala). This variant is present in population databases (rs748898911, gnomAD 0.003%). This variant has not been reported in the literature in individuals affected with C2CD3-related conditions. ClinVar contains an entry for this variant (Variation ID: 1916367). Invitae Evidence Modeling of protein sequence and biophysical properties (such as structural, functional, and spatial information, amino acid conservation, physicochemical variation, residue mobility, and thermodynamic stability) indicates that this missense variant is expected to disrupt C2CD3 protein function with a positive predictive value of 80%. In summary, the available evidence is currently insufficient to determine the role of this variant in disease. Therefore, it has been classified as a Variant of Uncertain Significance.